The following is an entry in ClinVar:

NM_012062.5(DNM1L):c.762C>G (p.Asn254Lys)

Gene: DNM1L (dynamin 1 like; plus strand). Cytogenetic location: 12p11.21.
Variant type: single nucleotide variant.
Coding change: c.762C>G on transcript NM_012062.5 (MANE Select); coding-DNA position 762, C replaced by G.
Protein change: p.Asn254Lys; replaces asparagine 254 with lysine.
Molecular consequence: missense variant.
Genome position (GRCh38, 1-based): chr12:32,720,685, C>G. VCF-style: chr12-32720685-C-G. GRCh37 (hg19) VCF-style: chr12-32873619-C-G.
Other names: c.762C>G (NM_012062.3); c.762C>G, p.Asn254Lys (NM_001278463.2, NM_005690.5, NM_012063.4); c.801C>G, p.Asn267Lys (NM_001278464.2, NM_001278465.2, NM_001330380.2); c.153C>G, p.Asn51Lys (NM_001278466.2); short protein forms N254K, N51K, N267K.
Identifiers: ClinVar variation 1471759 (VCV001471759.7), dbSNP rs138048932, ClinGen allele CA6507411.

ClinVar aggregate classification (germline): Uncertain significance. Review status: criteria provided, multiple submitters, no conflicts (2 of 4 stars). 2 submissions from 2 submitters: Uncertain significance (2). Last evaluated 2025-11-23.

Conditions:
Inborn genetic diseases. Identifiers: MedGen C0950123, MeSH D030342.

Allele frequency attached by ClinVar (database versions not stated): ExAC 0.00004; gnomAD 0.00005; ESP Exome Variant Server 0.00015; 1000 Genomes Project 30x 0.00031; 1000 Genomes Project 0.00040.
gnomAD v4.1: 42 of 1,613,778 alleles (0.0026%); highest among the groups gnomAD compares: Middle Eastern, 0.033%; 1 homozygote.

Submissions (2):

Ambry Genetics
Classification: Uncertain significance for Inborn genetic diseases. Last evaluated: 2025-11-23. Review status: criteria provided, single submitter. Criteria: Ambry Variant Classification Scheme 2023. Collection method: clinical testing. Allele origin: germline.

Labcorp Genetics (formerly Invitae), Labcorp
Classification: Uncertain significance. Last evaluated: 2025-10-01. Review status: criteria provided, single submitter. Criteria: Invitae Variant Classification Sherloc (09022015). Collection method: clinical testing. Allele origin: germline.
Comment: This sequence change replaces asparagine, which is neutral and polar, with lysine, which is basic and polar, at codon 254 of the DNM1L protein (p.Asn254Lys). This variant is present in population databases (rs138048932, gnomAD 0.02%). This variant has not been reported in the literature in individuals affected with DNM1L-related conditions. ClinVar contains an entry for this variant (Variation ID: 1471759). An algorithm developed to predict the effect of missense changes on protein structure and function (PolyPhen-2) suggests that this variant is likely to be tolerated. In summary, the available evidence is currently insufficient to determine the role of this variant in disease. Therefore, it has been classified as a Variant of Uncertain Significance.